The following is an entry in ClinVar:

ClinVar aggregate classification (germline): Uncertain significance (1 of 4 stars; one submission).

Submission:

GeneDx
Classification: Uncertain significance. Last evaluated: 2019-01-18. Review status: criteria provided, single submitter. Criteria: GeneDx Variant Classification Process June 2021. Collection method: clinical testing. Allele origin: germline. Affected: yes.
Comment: Not observed in large population cohorts (Lek et al., 2016); In-frame deletion of one amino acid in a non-repeat region; In silico analysis, which includes protein predictors and evolutionary conservation, supports that this variant does not alter protein structure/function; This variant is associated with the following publications: (PMID: 12676923)

NM_001015877.2(PHF6):c.996TGA[1] (p.Asp333del)

Gene: PHF6 (PHD finger protein 6; plus strand). Cytogenetic location: Xq26.2.
Variant type: Microsatellite.
Coding change: c.996TGA[1] on transcript NM_001015877.2 (MANE Select); one copy of the 3-base unit TGA starting at c.996; the reference has two copies in a row; one copy, 3 bases deleted.
Protein change: p.Asp333del; deletes aspartic acid 333.
Molecular consequence: inframe deletion.
Genome position (GRCh38, 1-based): chrX:134,425,231-134,425,233, TGA deleted; deleting any 3 consecutive bases within chrX:134,425,227-134,425,233 gives the same sequence; the position shown is the placement nearest the transcript's 3' end. VCF-style (leftmost placement, unchanged base first): chrX-134425226-AATG-A. GRCh37 (hg19) VCF-style: chrX-133559256-AATG-A.
Other names: c.996TGA[1], p.Asp333del (NM_032458.3); short protein forms D333del.
Identifiers: ClinVar variation 1303047 (VCV001303047.2), dbSNP rs2124261556, ClinGen allele CA2580612490.